The following is an entry in ClinVar:

ClinVar aggregate classification (germline): Conflicting classifications of pathogenicity. Review status: criteria provided, conflicting classifications (1 of 4 stars). 3 submissions from 3 submitters: Uncertain significance (1); Likely benign (2). Last evaluated 2025-05-02.

Conditions:
Familial thoracic aortic aneurysm and aortic dissection (TAAD). Also called: Thoracic aortic aneurysms and dissections. Identifiers: Orphanet 91387, MedGen C4707243, MONDO:0019625.
Marfan syndrome (MFS). Also called: Marfan syndrome, classic; Marfan syndrome type 1; Marfan's syndrome; FBN1-Related Marfan Syndrome; MARFAN SYNDROME, TYPE I. Identifiers: Orphanet 284963, Orphanet 558, MedGen C0024796, MONDO:0007947, OMIM 154700.

Allele frequency attached by ClinVar (database versions not stated): gnomAD exomes below 0.00001.
gnomAD v4.1: 1 of 1,591,704 alleles (0.000063%); highest among the groups gnomAD compares: Non-Finnish European, 0.000086%; no homozygotes.

Submissions (3):

ARUP Laboratories, Molecular Genetics and Genomics, ARUP Laboratories
Classification: Likely benign. Last evaluated: 2025-05-02. Review status: criteria provided, single submitter. Criteria: ARUP Molecular Germline Variant Investigation Process 2024. Collection method: clinical testing. Allele origin: germline.

Labcorp Genetics (formerly Invitae), Labcorp
Classification: Likely benign for Marfan syndrome; Familial thoracic aortic aneurysm and aortic dissection. Last evaluated: 2023-12-02. Review status: criteria provided, single submitter. Criteria: Invitae Variant Classification Sherloc (09022015). Collection method: clinical testing. Allele origin: germline.

Color Diagnostics, LLC DBA Color Health
Classification: Uncertain significance for Familial thoracic aortic aneurysm and aortic dissection. Last evaluated: 2019-10-07. Review status: criteria provided, single submitter. Criteria: ACMG Guidelines, 2015. Collection method: clinical testing. Allele origin: germline.
Comment: This variant causes a G>T nucleotide substitution at the -4 position of intron 60 of the FBN1 gene. Splice site prediction tools are inconclusive regarding the impact of this variant on RNA splicing. To our knowledge, functional studies have not been performed for this variant. This variant has not been reported in individuals affected with cardiovascular disorders in the literature. This variant has not been identified in the general population by the Genome Aggregation Database (gnomAD). The available evidence is insufficient to determine the role of this variant in disease conclusively. Therefore, this variant is classified as a Variant of Uncertain Significance.

NM_000138.5(FBN1):c.7454-4G>T

Gene: FBN1 (fibrillin 1; minus strand). Cytogenetic location: 15q21.1.
Variant type: single nucleotide variant.
Coding change: c.7454-4G>T on transcript NM_000138.5 (MANE Select); 4 bases into the intron before coding-DNA position 7454, G replaced by T.
Molecular consequence: intron variant.
Genome position (GRCh38, 1-based): chr15:48,422,072, C>A on the plus strand (G>T on the coding strand, the complement: FBN1 is on the minus strand). VCF-style: chr15-48422072-C-A. GRCh37 (hg19) VCF-style: chr15-48714269-C-A.
Identifiers: ClinVar variation 922714 (VCV000922714.8), dbSNP rs1365010331, ClinGen allele CA618009232.